The following is an entry in ClinVar:

ClinVar aggregate classification (germline): Uncertain significance. Review status: criteria provided, multiple submitters, no conflicts (2 of 4 stars). 8 submissions from 4 submitters: Uncertain significance (8). Last evaluated 2025-01-21.

Conditions:
Dystonia 9 (DYT9). Also called: CHOREOATHETOSIS, KINESIGENIC, WITH EPISODIC ATAXIA AND SPASTICITY. Identifiers: Orphanet 53583, MedGen C1832855, MONDO:0010983, OMIM 601042.
Epilepsy, idiopathic generalized, susceptibility to, 12 (EIG12). Identifiers: MedGen C3553859, MONDO:0013919, OMIM 614847.
Hereditary cryohydrocytosis with reduced stomatin. Also called: Stomatin-deficient cryohydrocytosis with neurologic defects; GLUT1 DEFICIENCY SYNDROME WITH PSEUDOHYPERKALEMIA AND HEMOLYSIS. Identifiers: Orphanet 168577, MedGen C1837206, MONDO:0012143, OMIM 608885.
SLC2A1-related disorder. Also called: SLC2A1-related condition; SLC2A1-related disorders.
Encephalopathy due to GLUT1 deficiency. Also called: GLUT1 deficiency syndrome 1, infantile onset, severe; GLUCOSE TRANSPORT DEFECT, BLOOD-BRAIN BARRIER; Classic Glucose Transporter Type 1 Deficiency Syndrome; GLUT1 deficiency syndrome 1; De Vivo disease; Glucose transporter protein syndrome. Identifiers: Orphanet 71277, MedGen C4551966, MONDO:0011724, OMIM 606777.
GLUT1 deficiency syndrome 1, autosomal recessive. Identifiers: MedGen C3149117.
Childhood onset GLUT1 deficiency syndrome 2. Also called: PxMD-SLC2A1; Paroxysmal exercise-induced dystonia; Exertion-induced paroxysmal dyskinesia; PAROXYSMAL EXERCISE-INDUCED DYSKINESIA WITH OR WITHOUT EPILEPSY AND/OR HEMOLYTIC ANEMIA; PAROXYSMAL EXERTION-INDUCED DYSTONIA WITH OR WITHOUT EPILEPSY AND/OR HEMOLYTIC ANEMIA; PED WITH OR WITHOUT EPILEPSY AND/OR HEMOLYTIC ANEMIA. Identifiers: Orphanet 98811, MedGen C1842534, MONDO:0012805, OMIM 612126.
Inborn genetic diseases. Identifiers: MedGen C0950123, MeSH D030342.

Allele frequency attached by ClinVar (database versions not stated): TOPMed below 0.00001; gnomAD 0.00001; gnomAD exomes 0.00001; ExAC 0.00002.
gnomAD v4.1: 15 of 1,601,592 alleles (0.00094%); highest among the groups gnomAD compares: South Asian, 0.0055%; no homozygotes.

Submissions (8):

PreventionGenetics, part of Exact Sciences
Classification: Uncertain significance for SLC2A1-related condition. Last evaluated: 2025-01-21. Review status: criteria provided, single submitter. Criteria: ACMG Guidelines, 2015. Collection method: clinical testing. Allele origin: germline.
Comment: The SLC2A1 c.338C>T variant is predicted to result in the amino acid substitution p.Ser113Leu. This variant was reported in an individual with epilepsy (Supplementary Table S6, Ganapathy et al. 2019. PubMed ID: 31069529). This variant is reported in 0.0065% of alleles in individuals of South Asian descent in gnomAD. At this time, the clinical significance of this variant is uncertain due to the absence of conclusive functional and genetic evidence.

Labcorp Genetics (formerly Invitae), Labcorp
Classification: Uncertain significance for GLUT1 deficiency syndrome 1, autosomal recessive. Last evaluated: 2023-05-09. Review status: criteria provided, single submitter. Criteria: Invitae Variant Classification Sherloc (09022015). Collection method: clinical testing. Allele origin: germline.
Comment: In summary, the available evidence is currently insufficient to determine the role of this variant in disease. Therefore, it has been classified as a Variant of Uncertain Significance. Advanced modeling of protein sequence and biophysical properties (such as structural, functional, and spatial information, amino acid conservation, physicochemical variation, residue mobility, and thermodynamic stability) performed at Invitae indicates that this missense variant is expected to disrupt SLC2A1 protein function. ClinVar contains an entry for this variant (Variation ID: 588187). This missense change has been observed in individual(s) with epilepsy (PMID: 31069529). This variant is present in population databases (rs774348625, gnomAD 0.006%). This sequence change replaces serine, which is neutral and polar, with leucine, which is neutral and non-polar, at codon 113 of the SLC2A1 protein (p.Ser113Leu).

Genome-Nilou Lab
Classification: Uncertain significance for Epilepsy, idiopathic generalized, susceptibility to, 12. Last evaluated: 2023-04-11. Review status: criteria provided, single submitter. Criteria: ACMG Guidelines, 2015. Collection method: clinical testing. Allele origin: germline. Affected: no.

Genome-Nilou Lab
Classification: Uncertain significance for Dystonia 9. Last evaluated: 2023-04-11. Review status: criteria provided, single submitter. Criteria: ACMG Guidelines, 2015. Collection method: clinical testing. Allele origin: germline. Affected: no.

Genome-Nilou Lab
Classification: Uncertain significance for Encephalopathy due to GLUT1 deficiency. Last evaluated: 2023-04-11. Review status: criteria provided, single submitter. Criteria: ACMG Guidelines, 2015. Collection method: clinical testing. Allele origin: germline. Affected: no.

Genome-Nilou Lab
Classification: Uncertain significance for Childhood onset GLUT1 deficiency syndrome 2. Last evaluated: 2023-04-11. Review status: criteria provided, single submitter. Criteria: ACMG Guidelines, 2015. Collection method: clinical testing. Allele origin: germline. Affected: no.

Genome-Nilou Lab
Classification: Uncertain significance for Hereditary cryohydrocytosis with reduced stomatin. Last evaluated: 2023-04-11. Review status: criteria provided, single submitter. Criteria: ACMG Guidelines, 2015. Collection method: clinical testing. Allele origin: germline. Affected: no.

Ambry Genetics
Classification: Uncertain significance for Inborn genetic diseases. Last evaluated: 2016-08-23. Review status: criteria provided, single submitter. Criteria: Ambry Variant Classification Scheme 2023. Collection method: clinical testing. Allele origin: germline.
Comment: The p.S113L variant (also known as c.338C>T), located in coding exon 4 of the SLC2A1 gene, results from a C to T substitution at nucleotide position 338. The serine at codon 113 is replaced by leucine, an amino acid with dissimilar properties. This variant was not reported in population based cohorts in the following databases: Database of Single Nucleotide Polymorphisms (dbSNP), NHLBI Exome Sequencing Project (ESP), and 1000 Genomes Project. In the ESP, this variant was not observed in 6503 samples (13006 alleles) with coverage at this position. This amino acid position is highly conserved in available vertebrate species. In addition, this alteration is predicted to be deleterious by in silico analysis. Since supporting evidence is limited at this time, the clinical significance of this variant remains unclear.

Literature cited by the submitters: PubMed 31069529 (cited by Labcorp Genetics (formerly Invitae), Labcorp).

NM_006516.4(SLC2A1):c.338C>T (p.Ser113Leu)

Gene: SLC2A1 (solute carrier family 2 member 1; minus strand). Cytogenetic location: 1p34.2.
Variant type: single nucleotide variant.
Coding change: c.338C>T on transcript NM_006516.4 (MANE Select); coding-DNA position 338, C replaced by T.
Protein change: p.Ser113Leu; replaces serine 113 with leucine.
Molecular consequence: missense variant.
Genome position (GRCh38, 1-based): chr1:42,930,804, G>A on the plus strand (C>T on the coding strand, the complement: SLC2A1 is on the minus strand). VCF-style: chr1-42930804-G-A. GRCh37 (hg19) VCF-style: chr1-43396475-G-A.
Other names: short protein forms S113L.
Identifiers: ClinVar variation 588187 (VCV000588187.16), dbSNP rs774348625, ClinGen allele CA803555.